The following is an entry in ClinVar:

ClinVar aggregate classification (germline): Likely benign (1 of 4 stars; one submission).

Conditions:
INF2-related disorder. Also called: INF2-related condition.

gnomAD v4.1: 31 of 1,573,158 alleles (0.002%); highest among the groups gnomAD compares: Non-Finnish European, 0.0026%; no homozygotes.

Submission:

PreventionGenetics, part of Exact Sciences
Classification: Likely benign for INF2-related condition. Last evaluated: 2025-09-25. Review status: criteria provided, single submitter. Criteria: ACMG Guidelines, 2015. Collection method: clinical testing. Allele origin: germline.
Comment: This variant is classified as likely benign based on ACMG/AMP sequence variant interpretation guidelines (Richards et al. 2015 PMID: 25741868, with internal and published modifications).

NM_022489.4(INF2):c.-7C>T

Gene: INF2 (inverted formin 2; plus strand). Cytogenetic location: 14q32.33.
Variant type: single nucleotide variant.
Coding change: c.-7C>T on transcript NM_022489.4 (MANE Select); 7 bases upstream of the start codon, C replaced by T.
Molecular consequence: 5 prime UTR variant. On other transcripts: non-coding transcript variant (1).
Genome position (GRCh38, 1-based): chr14:104,701,359, C>T. VCF-style: chr14-104701359-C-T. GRCh37 (hg19) VCF-style: chr14-105167696-C-T.
Other names: c.-7C>T (NM_001031714.4, NM_001426862.1, NM_001426863.1 and 6 more transcripts).
Identifiers: ClinVar variation 4977638 (VCV004977638.1).
Genomic context (GRCh38, chr14:104,701,359, plus strand): 5'-GCCAGGAGGACAGCCCCCATCCCCTCCCCGCTGACGGCTCCCTGCCCTCTGCCTGCAGCT[C>T]GGCAAGATGTCGGTGAAGGAGGGCGCACAGCGCAAGTGGGCAGCGCTGAAGGAGAAGCTG-3'